The following is an entry in ClinVar:

ClinVar aggregate classification (germline): Uncertain significance. Review status: criteria provided, multiple submitters, no conflicts (2 of 4 stars). 2 submissions from 2 submitters: Uncertain significance (2). Last evaluated 2026-03-27.

Conditions:
Cardiovascular phenotype. Identifiers: MedGen CN230736.
Hypertrophic cardiomyopathy. Also called: HYPERTROPHIC MYOCARDIOPATHY. Identifiers: Orphanet 217569, MedGen C0007194, MeSH D002312, MONDO:0005045, HP:0001639.

Allele frequency attached by ClinVar (database versions not stated): gnomAD exomes below 0.00001.
gnomAD v4.1: 2 of 1,599,980 alleles (0.00013%); highest among the groups gnomAD compares: Non-Finnish European, 0.00017%; no homozygotes.

Submissions (2):

Molecular Diagnostic Laboratory for Inherited Cardiovascular Disease, Montreal Heart Institute
Classification: Uncertain significance for Cardiovascular phenotype. Last evaluated: 2026-03-27. Review status: criteria provided, single submitter. Criteria: ACMG Guidelines, 2015. Collection method: clinical testing. Allele origin: germline. Affected: yes.
Comment: PM2, PP2, BP4

Labcorp Genetics (formerly Invitae), Labcorp
Classification: Uncertain significance for Hypertrophic cardiomyopathy. Last evaluated: 2025-07-30. Review status: criteria provided, single submitter. Criteria: Invitae Variant Classification Sherloc (09022015). Collection method: clinical testing. Allele origin: germline.
Comment: This sequence change replaces alanine, which is neutral and non-polar, with valine, which is neutral and non-polar, at codon 9 of the TNNI3 protein (p.Ala9Val). This variant is not present in population databases (gnomAD no frequency). This variant has not been reported in the literature in individuals affected with TNNI3-related conditions. ClinVar contains an entry for this variant (Variation ID: 2730105). Experimental studies and prediction algorithms are not available or were not evaluated, and the functional significance of this variant is currently unknown. In summary, the available evidence is currently insufficient to determine the role of this variant in disease. Therefore, it has been classified as a Variant of Uncertain Significance.

NM_000363.5(TNNI3):c.26C>T (p.Ala9Val)

Gene: TNNI3 (troponin I3, cardiac type; minus strand). Cytogenetic location: 19q13.42.
Variant type: single nucleotide variant.
Coding change: c.26C>T on transcript NM_000363.5 (MANE Select); coding-DNA position 26, C replaced by T.
Protein change: p.Ala9Val; replaces alanine 9 with valine.
Molecular consequence: missense variant.
Genome position (GRCh38, 1-based): chr19:55,157,132, G>A on the plus strand (C>T on the coding strand, the complement: TNNI3 is on the minus strand). VCF-style: chr19-55157132-G-A. GRCh37 (hg19) VCF-style: chr19-55668500-G-A.
Other names: short protein forms A9V.
Identifiers: ClinVar variation 2730105 (VCV002730105.4), dbSNP rs771967539, ClinGen allele CA050955.